The following is an entry in ClinVar:

ClinVar aggregate classification (germline): Uncertain significance. Review status: criteria provided, multiple submitters, no conflicts (2 of 4 stars). 3 submissions from 3 submitters: Uncertain significance (3). Last evaluated 2025-06-17.

Conditions:
RYR1-related disorder. Also called: RYR1-related disorders; RYR1-related condition. Identifiers: MedGen CN239331.
Malignant hyperthermia, susceptibility to, 1 (MHS1). Also called: RYR1-Related Malignant Hyperthermia Susceptibility; Malignant hyperthermia suceptibility 1; Anesthesia related hyperthermia; Malignant hyperpyrexia; Fulminating hyperpyrexia; Pharmacogenic myopathy. Identifiers: Orphanet 423, MedGen C2930980, MONDO:0007783, OMIM 145600.

Allele frequency attached by ClinVar (database versions not stated): gnomAD exomes below 0.00001; TOPMed below 0.00001.
gnomAD v4.1: 3 of 1,613,472 alleles (0.00019%); highest among the groups gnomAD compares: Non-Finnish European, 0.00025%; no homozygotes.

Submissions (3):

Color Diagnostics, LLC DBA Color Health
Classification: Uncertain significance for Malignant hyperthermia, susceptibility to, 1. Last evaluated: 2025-06-17. Review status: criteria provided, single submitter. Criteria: ACMG Guidelines, 2015. Collection method: clinical testing. Allele origin: germline.
Comment: This missense variant replaces methionine with isoleucine at codon 3857 of the RYR1 protein. Computational prediction is inconclusive regarding the impact of this variant on protein structure and function. To our knowledge, functional studies have not been reported for this variant. This variant has not been reported in individuals affected with RYR1-related disorders in the literature. This variant has been identified in 1/250236 chromosomes in the general population by the Genome Aggregation Database (gnomAD). The available evidence is insufficient to determine the role of this variant in disease conclusively. Therefore, this variant is classified as a Variant of Uncertain Significance.

All of Us Research Program, National Institutes of Health
Classification: Uncertain significance for Malignant hyperthermia, susceptibility to, 1. Last evaluated: 2023-04-27. Review status: criteria provided, single submitter. Criteria: ACMG Guidelines, 2015. Collection method: clinical testing. Allele origin: germline. Inheritance: Autosomal dominant inheritance. Observed: 1 variant allele, 1 heterozygote.
Comment: This study involves interpretation of variants in research participants for the purpose of population health screening. Participant phenotype was not available at the time of variant classification. Additional details can be found in publication PMID: 35346344, PMCID: PMC8962531

Labcorp Genetics (formerly Invitae), Labcorp
Classification: Uncertain significance for RYR1-related disorder. Last evaluated: 2022-08-08. Review status: criteria provided, single submitter. Criteria: Invitae Variant Classification Sherloc (09022015). Collection method: clinical testing. Allele origin: germline.
Comment: This variant is present in population databases (no rsID available, gnomAD 0.0009%). This variant has not been reported in the literature in individuals affected with RYR1-related conditions. ClinVar contains an entry for this variant (Variation ID: 572052). Algorithms developed to predict the effect of missense changes on protein structure and function are either unavailable or do not agree on the potential impact of this missense change (SIFT: "Deleterious"; PolyPhen-2: "Benign"; Align-GVGD: "Class C0"). In summary, the available evidence is currently insufficient to determine the role of this variant in disease. Therefore, it has been classified as a Variant of Uncertain Significance. This sequence change replaces methionine, which is neutral and non-polar, with isoleucine, which is neutral and non-polar, at codon 3857 of the RYR1 protein (p.Met3857Ile).

NM_000540.3(RYR1):c.11571G>A (p.Met3857Ile)

Gene: RYR1 (ryanodine receptor 1; plus strand). Cytogenetic location: 19q13.2.
Variant type: single nucleotide variant.
Coding change: c.11571G>A on transcript NM_000540.3 (MANE Select); coding-DNA position 11571, G replaced by A.
Protein change: p.Met3857Ile; replaces methionine 3857 with isoleucine.
Molecular consequence: missense variant.
Genome position (GRCh38, 1-based): chr19:38,536,051, G>A. VCF-style: chr19-38536051-G-A. GRCh37 (hg19) VCF-style: chr19-39026691-G-A.
Other names: c.11556G>A, p.Met3852Ile (NM_001042723.2); short protein forms M3857I, M3852I.
Identifiers: ClinVar variation 572052 (VCV000572052.11), dbSNP rs1329151420, ClinGen allele CA405656698.
Genomic context (GRCh38, chr19:38,536,051, plus strand): 5'-CCTCAGCGTCCTGGATCTCAATGCCTTTGAGAGACAGAACAAGGCCGAGGGGCTGGGCAT[G>A]GTGAATGAGGATGGCACTGGTGAGGCCCTCCCTTGGGCTTCCCACCCCCTGAGACATCTT-3'
Protein context (NP_000531.2, residues 3847-3867): ERQNKAEGLG[Met3857Ile]VNEDGTVINR